The following is an entry in ClinVar:

ClinVar aggregate classification (germline): Benign/Likely benign. Review status: criteria provided, multiple submitters, no conflicts (2 of 4 stars). 3 submissions from 3 submitters: Benign (2); Likely benign (1). Last evaluated 2026-06-01.

Conditions:
Idiopathic generalized epilepsy. Also called: Generalised epilepsy; EIG. Identifiers: MedGen C0270850, MONDO:0005579, OMIM 600669.

Allele frequency attached by ClinVar (database versions not stated): 1000 Genomes Project 0.00140; 1000 Genomes Project 30x 0.00156; gnomAD 0.00183 and 0.00194; gnomAD exomes 0.00192 and 0.00258; TOPMed 0.00215; ExAC 0.00219; ESP Exome Variant Server 0.00238.

Submissions (3):

CeGaT Center for Human Genetics Tuebingen
Classification: Likely benign. Last evaluated: 2026-06-01. Review status: criteria provided, single submitter. Criteria: CeGaT Center For Human Genetics Tuebingen Variant Classification Criteria Version 2. Collection method: clinical testing. Allele origin: germline. Affected: yes. Observed: 1 variant allele.
Comment: GABRD: BP4, BP7

Labcorp Genetics (formerly Invitae), Labcorp
Classification: Benign for Idiopathic generalized epilepsy. Last evaluated: 2026-02-03. Review status: criteria provided, single submitter. Criteria: Invitae Variant Classification Sherloc (09022015). Collection method: clinical testing. Allele origin: germline.

Breakthrough Genomics
Classification: Benign. Review status: criteria provided, single submitter. Criteria: ACMG Guidelines, 2015. Collection method: not provided. Allele origin: germline. Inheritance: Autosomal dominant inheritance. Affected: yes.

NM_000815.5(GABRD):c.1002C>T (p.Asn334=)

Gene: GABRD (gamma-aminobutyric acid type A receptor subunit delta; plus strand). Cytogenetic location: 1p36.33.
Variant type: single nucleotide variant.
Coding change: c.1002C>T on transcript NM_000815.5 (MANE Select); coding-DNA position 1002, C replaced by T.
Protein change: p.Asn334=; no amino-acid change (asparagine 334 retained).
Molecular consequence: synonymous variant.
Genome position (GRCh38, 1-based): chr1:2,029,705, C>T. VCF-style: chr1-2029705-C-T. GRCh37 (hg19) VCF-style: chr1-1961144-C-T.
Identifiers: ClinVar variation 460002 (VCV000460002.14), dbSNP rs41315330, ClinGen allele CA534849.